The following is an entry in ClinVar:

NM_001375567.1(FOCAD):c.2856G>T (p.Glu952Asp)

Gene: FOCAD (focadhesin; plus strand). Cytogenetic location: 9p21.3.
Variant type: single nucleotide variant.
Coding change: c.2856G>T on transcript NM_001375567.1 (MANE Select); coding-DNA position 2856, G replaced by T.
Protein change: p.Glu952Asp; replaces glutamic acid 952 with aspartic acid.
Molecular consequence: missense variant.
Genome position (GRCh38, 1-based): chr9:20,923,663, G>T. VCF-style: chr9-20923663-G-T. GRCh37 (hg19) VCF-style: chr9-20923662-G-T.
Other names: c.2751G>T, p.Glu917Asp (NM_001375568.1, NM_001375570.1); c.2856G>T, p.Glu952Asp (NM_017794.5); short protein forms E917D, E952D.
Identifiers: ClinVar variation 4736977 (VCV004736977.1).

ClinVar aggregate classification (germline): Uncertain significance (1 of 4 stars; one submission).

gnomAD v4.1: 2 of 1,613,360 alleles (0.00012%); highest among the groups gnomAD compares: Non-Finnish European, 0.00017%; no homozygotes.

Submission:

Labcorp Genetics (formerly Invitae), Labcorp
Classification: Uncertain significance. Last evaluated: 2025-12-23. Review status: criteria provided, single submitter. Criteria: Invitae Variant Classification Sherloc (09022015). Collection method: clinical testing. Allele origin: germline.
Comment: This sequence change replaces glutamic acid, which is acidic and polar, with aspartic acid, which is acidic and polar, at codon 952 of the FOCAD protein (p.Glu952Asp). This variant is not present in population databases (gnomAD no frequency). This variant has not been reported in the literature in individuals affected with FOCAD-related conditions. An algorithm developed to predict the effect of missense changes on protein structure and function outputs the following: PolyPhen-2: "Not Available". The aspartic acid amino acid residue is found in multiple mammalian species, which suggests that this missense change does not adversely affect protein function. In summary, the available evidence is currently insufficient to determine the role of this variant in disease. Therefore, it has been classified as a Variant of Uncertain Significance.